The following is an entry in ClinVar:

NM_001289125.3(IFNAR2):c.406C>T (p.Pro136Ser)

Genes: IFNAR2 (interferon alpha and beta receptor subunit 2; plus strand), IFNAR2-IL10RB (IFNAR2-IL10RB readthrough; plus strand). Cytogenetic location: 21q22.11.
Variant type: single nucleotide variant.
Coding change: c.406C>T on transcript NM_001289125.3 (MANE Select); coding-DNA position 406, C replaced by T.
Protein change: p.Pro136Ser; replaces proline 136 with serine.
Molecular consequence: missense variant.
Genome position (GRCh38, 1-based): chr21:33,248,720, C>T. VCF-style: chr21-33248720-C-T. GRCh37 (hg19) VCF-style: chr21-34621025-C-T.
Other names: c.406C>T, p.Pro136Ser (NM_001414505.1, NM_000874.5, NM_001289126.2 and 5 more transcripts); short protein forms P136S.
Identifiers: ClinVar variation 1989324 (VCV001989324.7), dbSNP rs746695388, ClinGen allele CA10005657.
Genomic context (GRCh38, chr21:33,248,720, plus strand): 5'-ACATATGGTCTCTGTGACATATTCCTGTCTGTTTTTGTTTTTTGCACAGTGTCTTTTGAA[C>T]CACCAGAGTTTGAGATTGTTGGTTTTACCAACCACATTAATGTGATGGTGAAATTTCCAT-3'
Protein context (NP_001276054.1, residues 126-146): FWLAIDMSFE[Pro136Ser]PEFEIVGFTN

ClinVar aggregate classification (germline): Uncertain significance. Review status: criteria provided, multiple submitters, no conflicts (2 of 4 stars). 2 submissions from 2 submitters: Uncertain significance (2). Last evaluated 2025-08-15.

Allele frequency attached by ClinVar (database versions not stated): gnomAD 0.00001; gnomAD exomes 0.00001; ExAC 0.00002.
gnomAD v4.1: 5 of 1,605,682 alleles (0.00031%); highest among the groups gnomAD compares: East Asian, 0.0068%; no homozygotes.

Submissions (2):

Ambry Genetics
Classification: Uncertain significance. Last evaluated: 2025-08-15. Review status: criteria provided, single submitter. Criteria: Ambry Variant Classification Scheme 2023. Collection method: clinical testing. Allele origin: germline.

Labcorp Genetics (formerly Invitae), Labcorp
Classification: Uncertain significance. Last evaluated: 2022-06-13. Review status: criteria provided, single submitter. Criteria: Invitae Variant Classification Sherloc (09022015). Collection method: clinical testing. Allele origin: germline.
Comment: In summary, the available evidence is currently insufficient to determine the role of this variant in disease. Therefore, it has been classified as a Variant of Uncertain Significance. Algorithms developed to predict the effect of missense changes on protein structure and function (SIFT, PolyPhen-2, Align-GVGD) all suggest that this variant is likely to be disruptive. This variant has not been reported in the literature in individuals affected with IFNAR2-related conditions. This variant is present in population databases (rs746695388, gnomAD 0.02%). This sequence change replaces proline, which is neutral and non-polar, with serine, which is neutral and polar, at codon 136 of the IFNAR2 protein (p.Pro136Ser).